The following is an entry in ClinVar:

NM_004329.3(BMPR1A):c.1215A>C (p.Lys405Asn)

Gene: BMPR1A (bone morphogenetic protein receptor type 1A; plus strand). Cytogenetic location: 10q23.2.
Variant type: single nucleotide variant.
Coding change: c.1215A>C on transcript NM_004329.3 (MANE Select); coding-DNA position 1215, A replaced by C.
Protein change: p.Lys405Asn; replaces lysine 405 with asparagine.
Molecular consequence: missense variant.
Genome position (GRCh38, 1-based): chr10:86,921,568, A>C. VCF-style: chr10-86921568-A-C. GRCh37 (hg19) VCF-style: chr10-88681325-A-C.
Other names: short protein forms K405N.
Identifiers: ClinVar variation 141138 (VCV000141138.34), dbSNP rs587781522, ClinGen allele CA164567.
Genomic context (GRCh38, chr10:86,921,568, plus strand): 5'-CTTTTGTTTCAGTGACACAAATGAAGTTGATGTGCCCTTGAATACCAGGGTGGGCACCAA[A>C]CGCTACATGGCTCCCGAAGTGCTGGACGAAAGCCTGAACAAAAACCACTTCCAGCCCTAC-3'
Protein context (NP_004320.2, residues 395-415): DVPLNTRVGT[Lys405Asn]RYMAPEVLDE

ClinVar aggregate classification (germline): Conflicting classifications of pathogenicity. Review status: criteria provided, conflicting classifications (1 of 4 stars). 14 submissions from 14 submitters: Uncertain significance (12); Benign (1). 1 of the submissions does not count toward it. Last evaluated 2025-12-22.

Conditions:
Juvenile polyposis syndrome (JPS). Identifiers: Orphanet 2929, MedGen C0345893, MONDO:0017380, OMIM 174900.
Hereditary cancer-predisposing syndrome. Also called: Neoplastic Syndromes, Hereditary; Hereditary Cancer Syndrome; Tumor predisposition; Hereditary neoplastic syndrome. Identifiers: Orphanet 140162, MedGen C0027672, MeSH D009386, MONDO:0015356.
Pulmonary arterial hypertension. Identifiers: Orphanet 182090, MedGen C2973725, MeSH D000081029, MONDO:0015924, HP:0002092.
Polyposis syndrome, hereditary mixed, 2. Identifiers: Orphanet 157794, MedGen C1864730, MONDO:0012405, OMIM 610069.

Allele frequency attached by ClinVar (database versions not stated): TOPMed below 0.00001; gnomAD 0.00001.
gnomAD v4.1: 10 of 1,614,014 alleles (0.00062%); highest among the groups gnomAD compares: Non-Finnish European, 0.00085%; no homozygotes.

Submissions (14):

Labcorp Genetics (formerly Invitae), Labcorp
Classification: Uncertain significance for Juvenile polyposis syndrome. Last evaluated: 2025-12-22. Review status: criteria provided, single submitter. Criteria: Invitae Variant Classification Sherloc (09022015). Collection method: clinical testing. Allele origin: germline.
Comment: This sequence change replaces lysine, which is basic and polar, with asparagine, which is neutral and polar, at codon 405 of the BMPR1A protein (p.Lys405Asn). This variant is present in population databases (rs587781522, gnomAD 0.002%). This variant has not been reported in the literature in individuals affected with BMPR1A-related conditions. ClinVar contains an entry for this variant (Variation ID: 141138). Invitae Evidence Modeling incorporating data from in vitro experimental studies (internal data) indicates that this missense variant is not expected to disrupt BMPR1A function with a negative predictive value of 95%. In summary, the available evidence is currently insufficient to determine the role of this variant in disease. Therefore, it has been classified as a Variant of Uncertain Significance.

Center for Genomic Medicine, Rigshospitalet, Copenhagen University Hospital
Classification: Uncertain significance. Last evaluated: 2025-03-04. Review status: criteria provided, single submitter. Criteria: ACMG Guidelines, 2015. Collection method: clinical testing. Allele origin: germline.

Blueprint Genetics
Classification: Uncertain significance. Last evaluated: 2024-11-04. Review status: criteria provided, single submitter. Criteria: ACMG Guidelines, 2015. Collection method: clinical testing. Allele origin: germline.

All of Us Research Program, National Institutes of Health
Classification: Uncertain significance for Juvenile polyposis syndrome. Last evaluated: 2024-03-24. Review status: criteria provided, single submitter. Criteria: ACMG Guidelines, 2015. Collection method: clinical testing. Allele origin: germline. Inheritance: Autosomal dominant inheritance. Observed: 2 variant alleles, 2 heterozygotes.
Comment: This missense variant replaces lysine with asparagine at codon 405 of the BMPR1A protein. Computational prediction is inconclusive regarding the impact of this variant on protein structure and function (internally defined REVEL score threshold 0.5 < inconclusive < 0.7, PMID: 27666373). To our knowledge, functional studies have not been reported for this variant. This variant has not been reported in individuals affected with BMPR1A-related disorders in the literature. This variant has been observed in a cohort of individuals undergoing hereditary cancer genetic testing (PMID: 31159747). This variant has been identified in 3/251454 chromosomes in the general population by the Genome Aggregation Database (gnomAD). The available evidence is insufficient to determine the role of this variant in disease conclusively. Therefore, this variant is classified as a Variant of Uncertain Significance.

This study involves interpretation of variants in research participants for the purpose of population health screening. Participant phenotype was not available at the time of variant classification. Additional details can be found in publication PMID: 35346344, PMCID: PMC8962531

Color Diagnostics, LLC DBA Color Health
Classification: Uncertain significance for Hereditary cancer-predisposing syndrome. Last evaluated: 2024-02-14. Review status: criteria provided, single submitter. Criteria: ACMG Guidelines, 2015. Collection method: clinical testing. Allele origin: germline.
Comment: This missense variant replaces lysine with asparagine at codon 405 of the BMPR1A protein. Computational prediction is inconclusive regarding the impact of this variant on protein structure and function (internally defined REVEL score threshold 0.5 < inconclusive < 0.7, PMID: 27666373). To our knowledge, functional studies have not been reported for this variant. This variant has not been reported in individuals affected with BMPR1A-related disorders in the literature. This variant has been observed in a cohort of individuals undergoing hereditary cancer genetic testing (PMID: 31159747). This variant has been identified in 3/251454 chromosomes in the general population by the Genome Aggregation Database (gnomAD). The available evidence is insufficient to determine the role of this variant in disease conclusively. Therefore, this variant is classified as a Variant of Uncertain Significance.

GeneDx
Classification: Uncertain significance. Last evaluated: 2024-01-04. Review status: criteria provided, single submitter. Criteria: GeneDx Variant Classification Process June 2021. Collection method: clinical testing. Allele origin: germline. Affected: yes.
Comment: Not observed at significant frequency in large population cohorts (gnomAD); In silico analysis supports that this missense variant has a deleterious effect on protein structure/function; Observed in individuals undergoing hereditary cancer panel testing (PMID: 31159747); This variant is associated with the following publications: (PMID: 31159747)

Baylor Genetics
Classification: Uncertain significance for Polyposis syndrome, hereditary mixed, 2. Last evaluated: 2023-09-26. Review status: criteria provided, single submitter. Criteria: ACMG Guidelines, 2015. Collection method: clinical testing. Allele origin: unknown.

Ambry Genetics
Classification: Benign for Hereditary cancer-predisposing syndrome. Last evaluated: 2023-05-02. Review status: criteria provided, single submitter. Criteria: Ambry Variant Classification Scheme 2023. Collection method: clinical testing. Allele origin: germline.

Myriad Genetics, Inc.
Classification: Uncertain significance for Juvenile polyposis syndrome. Last evaluated: 2023-03-02. Review status: criteria provided, single submitter. Criteria: Myriad Autosomal Dominant, Autosomal Recessive and X-Linked Classification Criteria (2023). Collection method: clinical testing. Allele origin: unknown.
Comment: This variant is classified as a variant of uncertain significance as there is insufficient evidence to determine its impact on protein function and/or cancer risk.

Department of Pathology and Laboratory Medicine, Sinai Health System
Classification: Uncertain significance for pulmonary arterial hypertension. Last evaluated: 2020-03-23. Review status: criteria provided, single submitter. Criteria: ACMG Guidelines, 2015. Collection method: clinical testing. Allele origin: germline. Affected: yes.

Quest Diagnostics Nichols Institute San Juan Capistrano
Classification: Uncertain significance. Last evaluated: 2018-12-18. Review status: criteria provided, single submitter. Criteria: Quest Diagnostics criteria. Collection method: clinical testing. Allele origin: germline.

GeneKor MSA
Classification: Uncertain significance for Hereditary cancer-predisposing syndrome. Last evaluated: 2018-08-01. Review status: criteria provided, single submitter. Criteria: ACMG Guidelines, 2015. Collection method: clinical testing. Allele origin: germline. Affected: yes.

Women's Health and Genetics/Laboratory Corporation of America, LabCorp
Classification: Uncertain significance. Last evaluated: 2017-04-13. Review status: criteria provided, single submitter. Criteria: LabCorp Variant Classification Summary - May 2015. Collection method: clinical testing. Allele origin: germline.
Comment: Variant summary: The BMPR1A c.1215A>C (p.Lys405Asn) variant involves the alteration of a non-conserved nucleotide. 5/5 in silico tools predict a damaging outcome for this variant. This variant is absent in 121410 control chromosomes. Multiple clinical diagnostic laboratories/reputable databases classified this variant as uncertain significance. The variant of interest has not, to our knowledge, been reported in affected individuals via publications nor evaluated for functional impact by in vivo/vitro studies. Because of the absence of clinical information and the lack of functional studies, the variant is classified as a variant of uncertain significance (VUS) until additional information becomes available.

Counsyl
Classification: Uncertain significance for Juvenile polyposis syndrome. Last evaluated: 2016-07-28. Review status: no assertion criteria provided. Collection method: clinical testing. Allele origin: unknown. Not counted in ClinVar's aggregate classification.

Literature cited by the submitters: PubMed 31159747 (cited by 3 submitters).